The following is an entry in ClinVar:

NM_198129.4(LAMA3):c.4558G>T (p.Ala1520Ser)

Gene: LAMA3 (laminin subunit alpha 3; plus strand). Cytogenetic location: 18q11.2.
Variant type: single nucleotide variant.
Coding change: c.4558G>T on transcript NM_198129.4 (MANE Select); coding-DNA position 4558, G replaced by T.
Protein change: p.Ala1520Ser; replaces alanine 1520 with serine.
Molecular consequence: missense variant.
Genome position (GRCh38, 1-based): chr18:23,861,781, G>T. VCF-style: chr18-23861781-G-T. GRCh37 (hg19) VCF-style: chr18-21441745-G-T.
Other names: c.4558G>T (NM_198129.1); c.4558G>T, p.Ala1520Ser (NM_001127717.4); short protein forms A1520S.
Identifiers: ClinVar variation 587416 (VCV000587416.6), dbSNP rs763626668, ClinGen allele CA297090024.
Genomic context (GRCh38, chr18:23,861,781, plus strand): 5'-AACAGTATGGTGGCGGATCTCCAGGAGCTGCCCGCAACCATCCACAGCGCGTCCTGGGTC[G>T]CACCCACCTCCTACCTGGGGGACAAGGTAATGATGTCCTGCTGTTCTTCTGGGCCCTCAG-3'
Protein context (NP_937762.2, residues 1510-1530): PATIHSASWV[Ala1520Ser]PTSYLGDKVS

ClinVar aggregate classification (germline): Uncertain significance. Review status: criteria provided, multiple submitters, no conflicts (2 of 4 stars). 3 submissions from 3 submitters: Uncertain significance (3). Last evaluated 2025-05-01.

Conditions:
Junctional epidermolysis bullosa gravis of Herlitz. Also called: Herlitz-type junctional epidermolysis bullosa; EPIDERMOLYSIS BULLOSA, JUNCTIONAL 1B, SEVERE; Epidermolysis Bullosa Letalis; EPIDERMOLYSIS BULLOSA JUNCTIONALIS, HERLITZ TYPE; EPIDERMOLYSIS BULLOSA, JUNCTIONAL, HERLITZ-PEARSON TYPE; JEB-HERLITZ TYPE. Identifiers: Orphanet 79404, MedGen C0079683, MONDO:0009182, OMIM 226700.
LAMA3-related disorder. Also called: LAMA3-related disorders; LAMA3-related condition.
Inborn genetic diseases. Identifiers: MedGen C0950123, MeSH D030342.

Allele frequency attached by ClinVar (database versions not stated): gnomAD 0.00003.
gnomAD v4.1: 50 of 1,613,082 alleles (0.0031%); highest among the groups gnomAD compares: Non-Finnish European, 0.0042%; no homozygotes.

Submissions (3):

PreventionGenetics, part of Exact Sciences
Classification: Uncertain significance for LAMA3-related condition. Last evaluated: 2025-05-01. Review status: criteria provided, single submitter. Criteria: ACMG Guidelines, 2015. Collection method: clinical testing. Allele origin: germline.
Comment: The LAMA3 c.4558G>T variant is predicted to result in the amino acid substitution p.Ala1520Ser. To our knowledge, this variant has not been reported in the literature. This variant is reported in 0.0024% of alleles in individuals of European (Non-Finnish) descent in gnomAD. At this time, the clinical significance of this variant is uncertain due to the absence of conclusive functional and genetic evidence.

Ambry Genetics
Classification: Uncertain significance for Inborn genetic diseases. Last evaluated: 2023-03-06. Review status: criteria provided, single submitter. Criteria: Ambry Variant Classification Scheme 2023. Collection method: clinical testing. Allele origin: germline.

Genomic Research Center, Shahid Beheshti University of Medical Sciences
Classification: Uncertain significance for Junctional epidermolysis bullosa gravis of Herlitz. Last evaluated: 2018-08-07. Review status: criteria provided, single submitter. Criteria: ACMG Guidelines, 2015. Collection method: clinical testing. Allele origin: inherited. Affected: yes. Observed: 1 variant allele.